The following is an entry in ClinVar:

NM_003970.4(MYOM2):c.2170G>A (p.Gly724Ser)

Gene: MYOM2 (myomesin 2; plus strand). Cytogenetic location: 8p23.3.
Variant type: single nucleotide variant.
Coding change: c.2170G>A on transcript NM_003970.4 (MANE Select); coding-DNA position 2170, G replaced by A.
Protein change: p.Gly724Ser; replaces glycine 724 with serine.
Molecular consequence: missense variant.
Genome position (GRCh38, 1-based): chr8:2,096,291, G>A. VCF-style: chr8-2096291-G-A. GRCh37 (hg19) VCF-style: chr8-2044131-G-A.
Other names: short protein forms G724S.
Identifiers: ClinVar variation 3055965 (VCV003055965.2), dbSNP rs79925336, ClinGen allele CA170457157.

ClinVar aggregate classification (germline): Benign (0 of 4 stars; one submission).

Conditions:
MYOM2-related disorder. Also called: MYOM2-related condition.

Allele frequency attached by ClinVar (database versions not stated): ESP Exome Variant Server 0.00108; gnomAD exomes 0.00243; ExAC 0.00541; gnomAD 0.00617; 1000 Genomes Project 0.00699; 1000 Genomes Project 30x 0.00703; TOPMed 0.00858.
gnomAD v4.1: 4,486 of 1,614,064 alleles (0.28%); highest among the groups gnomAD compares: Admixed American, 4.4%; 96 homozygotes.

Submission:

PreventionGenetics, part of Exact Sciences
Classification: Benign for MYOM2-related condition. Last evaluated: 2019-05-06. Review status: no assertion criteria provided. Collection method: clinical testing. Allele origin: germline.
Comment: This variant is classified as benign based on ACMG/AMP sequence variant interpretation guidelines (Richards et al. 2015 PMID: 25741868, with internal and published modifications).